The following is an entry in ClinVar:

ClinVar aggregate classification (germline): Uncertain significance (1 of 4 stars; one submission).

Conditions:
Hereditary cancer-predisposing syndrome. Also called: Neoplastic Syndromes, Hereditary; Tumor predisposition; Hereditary Cancer Syndrome; Hereditary neoplastic syndrome. Identifiers: Orphanet 140162, MedGen C0027672, MeSH D009386, MONDO:0015356.

Submission:

Ambry Genetics
Classification: Uncertain significance for Hereditary cancer-predisposing syndrome. Last evaluated: 2026-05-08. Review status: criteria provided, single submitter. Criteria: Ambry Variant Classification Scheme 2023. Collection method: clinical testing. Allele origin: germline.
Comment: The p.E813V variant (also known as c.2438A>T), located in coding exon 15 of the CDH1 gene, results from an A to T substitution at nucleotide position 2438. The glutamic acid at codon 813 is replaced by valine, an amino acid with dissimilar properties. This amino acid position is not well conserved in available vertebrate species. In addition, the in silico prediction for this alteration is inconclusive. Based on the available evidence, the clinical significance of this variant remains unclear.

NM_004360.5(CDH1):c.2438A>T (p.Glu813Val)

Gene: CDH1 (cadherin 1; plus strand). Cytogenetic location: 16q22.1.
Variant type: single nucleotide variant.
Coding change: c.2438A>T on transcript NM_004360.5 (MANE Select); coding-DNA position 2438, A replaced by T.
Protein change: p.Glu813Val; replaces glutamic acid 813 with valine.
Molecular consequence: missense variant.
Genome position (GRCh38, 1-based): chr16:68,829,796, A>T. VCF-style: chr16-68829796-A-T. GRCh37 (hg19) VCF-style: chr16-68863699-A-T.
Other names: c.2255A>T, p.Glu752Val (NM_001317184.2); c.890A>T, p.Glu297Val (NM_001317185.2); c.473A>T, p.Glu158Val (NM_001317186.2); short protein forms E158V, E297V, E752V, E813V.
Identifiers: ClinVar variation 4868405 (VCV004868405.1).